The following is an entry in ClinVar:

NM_001111067.4(ACVR1):c.65A>T (p.Glu22Val)

Gene: ACVR1 (activin A receptor type 1; minus strand). Cytogenetic location: 2q24.1.
Variant type: single nucleotide variant.
Coding change: c.65A>T on transcript NM_001111067.4 (MANE Select); coding-DNA position 65, A replaced by T.
Protein change: p.Glu22Val; replaces glutamic acid 22 with valine.
Molecular consequence: missense variant.
Genome position (GRCh38, 1-based): chr2:157,799,429, T>A on the plus strand (A>T on the coding strand, the complement: ACVR1 is on the minus strand). VCF-style: chr2-157799429-T-A. GRCh37 (hg19) VCF-style: chr2-158655941-T-A.
Other names: c.65A>T, p.Glu22Val (NM_001347663.1, NM_001347664.1, NM_001347665.1 and 3 more transcripts); short protein forms E22V.
Identifiers: ClinVar variation 3643800 (VCV003643800.2).

ClinVar aggregate classification (germline): Uncertain significance (1 of 4 stars; one submission).

Submission:

Labcorp Genetics (formerly Invitae), Labcorp
Classification: Uncertain significance. Last evaluated: 2025-01-13. Review status: criteria provided, single submitter. Criteria: Invitae Variant Classification Sherloc (09022015). Collection method: clinical testing. Allele origin: germline.
Comment: This sequence change replaces glutamic acid, which is acidic and polar, with valine, which is neutral and non-polar, at codon 22 of the ACVR1 protein (p.Glu22Val). This variant is not present in population databases (gnomAD no frequency). This variant has not been reported in the literature in individuals affected with ACVR1-related conditions. An algorithm developed to predict the effect of missense changes on protein structure and function (PolyPhen-2) suggests that this variant is likely to be tolerated. Algorithms developed to predict the effect of sequence changes on RNA splicing suggest that this variant may create or strengthen a splice site. In summary, the available evidence is currently insufficient to determine the role of this variant in disease. Therefore, it has been classified as a Variant of Uncertain Significance.